The following is an entry in ClinVar:

ClinVar aggregate classification (germline): Uncertain significance (1 of 4 stars; one submission).

Conditions:
Cardiovascular phenotype. Identifiers: MedGen CN230736.

gnomAD v4.1: 3 of 1,613,948 alleles (0.00019%); no homozygotes.

Submission:

Ambry Genetics
Classification: Uncertain significance for Cardiovascular phenotype. Last evaluated: 2024-11-27. Review status: criteria provided, single submitter. Criteria: Ambry Variant Classification Scheme 2023. Collection method: clinical testing. Allele origin: germline.
Comment: The p.N279H variant (also known as c.835A>C), located in coding exon 8 of the ANKRD1 gene, results from an A to C substitution at nucleotide position 835. The asparagine at codon 279 is replaced by histidine, an amino acid with similar properties. This amino acid position is conserved. In addition, this alteration is predicted to be tolerated by in silico analysis. Based on the available evidence, the clinical significance of this variant remains unclear.

NM_014391.3(ANKRD1):c.835A>C (p.Asn279His)

Gene: ANKRD1 (ankyrin repeat domain 1; minus strand). Cytogenetic location: 10q23.31.
Variant type: single nucleotide variant.
Coding change: c.835A>C on transcript NM_014391.3 (MANE Select); coding-DNA position 835, A replaced by C.
Protein change: p.Asn279His; replaces asparagine 279 with histidine.
Molecular consequence: missense variant.
Genome position (GRCh38, 1-based): chr10:90,915,557, T>G on the plus strand (A>C on the coding strand, the complement: ANKRD1 is on the minus strand). VCF-style: chr10-90915557-T-G. GRCh37 (hg19) VCF-style: chr10-92675314-T-G.
Other names: short protein forms N279H.
Identifiers: ClinVar variation 3543159 (VCV003543159.1).
Genomic context (GRCh38, chr10:90,915,557, plus strand): 5'-GAAATTGGAAAGCTTGCAAGCGGTGTTTCTTGTTTCCAGTACTTACACAGTTCTTGATGT[T>G]GAGATCCGCGCCATACATAATCAGGAGTCGGATCATCTTATAGCGGTTCAGTCTCACCGC-3'
Protein context (NP_055206.2, residues 269-289): RLLIMYGADL[Asn279His]IKNCAGKTPM